The following is an entry in ClinVar:

NM_002691.4(POLD1):c.801G>C (p.Glu267Asp)

Gene: POLD1 (DNA polymerase delta 1, catalytic subunit; plus strand). Cytogenetic location: 19q13.33.
Variant type: single nucleotide variant.
Coding change: c.801G>C on transcript NM_002691.4 (MANE Select); coding-DNA position 801, G replaced by C.
Protein change: p.Glu267Asp; replaces glutamic acid 267 with aspartic acid.
Molecular consequence: missense variant. On other transcripts: non-coding transcript variant (1).
Genome position (GRCh38, 1-based): chr19:50,402,496, G>C. VCF-style: chr19-50402496-G-C. GRCh37 (hg19) VCF-style: chr19-50905753-G-C.
Other names: c.801G>C, p.Glu267Asp (NM_001256849.1, NM_001308632.1, NM_001438210.1 and 3 more transcripts); short protein forms E267D.
Identifiers: ClinVar variation 4141027 (VCV004141027.1).

ClinVar aggregate classification (germline): Uncertain significance (1 of 4 stars; one submission).

Conditions:
Hereditary cancer-predisposing syndrome. Also called: Hereditary neoplastic syndrome; Neoplastic Syndromes, Hereditary; Tumor predisposition; Hereditary Cancer Syndrome. Identifiers: Orphanet 140162, MedGen C0027672, MeSH D009386, MONDO:0015356.

Submission:

Ambry Genetics
Classification: Uncertain significance for Hereditary cancer-predisposing syndrome. Last evaluated: 2025-08-23. Review status: criteria provided, single submitter. Criteria: Ambry Variant Classification Scheme 2023. Collection method: clinical testing. Allele origin: germline.
Comment: The p.E267D variant (also known as c.801G>C), located in coding exon 6 of the POLD1 gene, results from a G to C substitution at nucleotide position 801. The glutamic acid at codon 267 is replaced by aspartic acid, an amino acid with highly similar properties. This amino acid position is conserved. In addition, this alteration is predicted to be tolerated by in silico analysis. Based on the available evidence, the clinical significance of this variant remains unclear.